The following is an entry in ClinVar:

ClinVar aggregate classification (germline): Benign. Review status: criteria provided, multiple submitters, no conflicts (2 of 4 stars). 6 submissions from 6 submitters: Benign (6). Last evaluated 2026-02-02.

Conditions:
Monogenic diabetes. Identifiers: Orphanet 183625, MedGen C3888631, MONDO:0015967.
Megaloblastic anemia, thiamine-responsive, with diabetes mellitus and sensorineural deafness (TRMA). Also called: THIAMINE METABOLISM DYSFUNCTION SYNDROME 1 (MEGALOBLASTIC ANEMIA, DIABETES MELLITUS, AND DEAFNESS TYPE); ROGERS SYNDROME; THIAMINE-RESPONSIVE ANEMIA SYNDROME; THIAMINE-RESPONSIVE MYELODYSPLASIA; Thiamine-Responsive Megaloblastic Anemia Syndrome. Identifiers: Orphanet 49827, MedGen C0342287, MONDO:0009575, OMIM 249270.

Allele frequency attached by ClinVar (database versions not stated): gnomAD exomes 0.00066 and 0.00190; ExAC 0.00227; 1000 Genomes Project 0.00639; gnomAD 0.00700 and 0.00758; 1000 Genomes Project 30x 0.00718; TOPMed 0.00796; ESP Exome Variant Server 0.00877.
gnomAD v4.1: 2,058 of 1,613,658 alleles (0.13%); highest among the groups gnomAD compares: African/African-American, 2.3%; 20 homozygotes.

Submissions (6):

Labcorp Genetics (formerly Invitae), Labcorp
Classification: Benign. Last evaluated: 2026-02-02. Review status: criteria provided, single submitter. Criteria: Invitae Variant Classification Sherloc (09022015). Collection method: clinical testing. Allele origin: germline.

ARUP Laboratories, Molecular Genetics and Genomics, ARUP Laboratories
Classification: Benign for Megaloblastic anemia, thiamine-responsive, with diabetes mellitus and sensorineural deafness. Last evaluated: 2025-04-03. Review status: criteria provided, single submitter. Criteria: ARUP Molecular Germline Variant Investigation Process 2024. Collection method: clinical testing. Allele origin: germline.

Genetic Services Laboratory, University of Chicago
Classification: Benign. Last evaluated: 2021-06-25. Review status: criteria provided, single submitter. Criteria: ACMG Guidelines, 2015. Collection method: clinical testing. Allele origin: germline. Affected: no.

Illumina Laboratory Services, Illumina
Classification: Benign for Megaloblastic anemia, thiamine-responsive, with diabetes mellitus and sensorineural deafness. Last evaluated: 2018-01-13. Review status: criteria provided, single submitter. Criteria: ICSL Variant Classification Criteria 13 December 2019. Collection method: clinical testing. Allele origin: germline.
Comment: This variant was observed in the ICSL laboratory as part of a predisposition screen in an ostensibly healthy population. It had not been previously curated by ICSL or reported in the Human Gene Mutation Database (HGMD: prior to June 1st, 2018), and was therefore a candidate for classification through an automated scoring system. Utilizing variant allele frequency, disease prevalence and penetrance estimates, and inheritance mode, an automated score was calculated to assess if this variant is too frequent to cause the disease. Based on the score and internal cut-off values, a variant classified as benign is not then subjected to further curation. The score for this variant resulted in a classification of benign for this disease.

Personalized Diabetes Medicine Program, University of Maryland School of Medicine
Classification: Benign for Monogenic diabetes. Last evaluated: 2018-01-02. Review status: criteria provided, single submitter. Criteria: ACMG Guidelines, 2015. Collection method: research. Allele origin: unknown. Observed: 3 variant alleles, 3 heterozygotes.
Comment: ACMG criteria: PP3 (2 predictors), BP4 (9 predictors), BS1 (2.51% in ExAC African population), BS2 (10 homozygotes in gnomAD), BP6 (GeneDx calls benign)=benign

GeneDx
Classification: Benign. Last evaluated: 2016-03-21. Review status: criteria provided, single submitter. Criteria: GeneDx Variant Classification (06012015). Collection method: clinical testing. Allele origin: germline. Affected: yes.
Comment: This variant is considered likely benign or benign based on one or more of the following criteria: it is a conservative change, it occurs at a poorly conserved position in the protein, it is predicted to be benign by multiple in silico algorithms, and/or has population frequency not consistent with disease.

NM_006996.3(SLC19A2):c.796G>A (p.Val266Met)

Gene: SLC19A2 (solute carrier family 19 member 2; minus strand). Cytogenetic location: 1q24.2.
Variant type: single nucleotide variant.
Coding change: c.796G>A on transcript NM_006996.3 (MANE Select); coding-DNA position 796, G replaced by A.
Protein change: p.Val266Met; replaces valine 266 with methionine.
Molecular consequence: missense variant. On other transcripts: intron variant (1).
Genome position (GRCh38, 1-based): chr1:169,477,166, C>T on the plus strand (G>A on the coding strand, the complement: SLC19A2 is on the minus strand). VCF-style: chr1-169477166-C-T. GRCh37 (hg19) VCF-style: chr1-169446404-C-T.
Other names: c.205-6980G>A (NM_001319667.1); short protein forms V266M.
Identifiers: ClinVar variation 293525 (VCV000293525.19), dbSNP rs75099879, ClinGen allele CA1233007.
Genomic context (GRCh38, chr1:169,477,166, plus strand): 5'-GGTCCAGCCCCCATAGTAGCAATTACAAGATATTTAAGGCTGAGCTTACCGGTTCCTCCA[C>T]GGGAGGCTCCTCCATATTTAGAGGGATTTTTGACTCAATGTCCTCCCAGCCAGGAAGGTG-3'
Protein context (NP_008927.1, residues 256-276): KIPLNMEEPP[Val266Met]EEPEPKPDRL